The following is an entry in ClinVar:

ClinVar aggregate classification (germline): Likely benign. Review status: criteria provided, multiple submitters, no conflicts (2 of 4 stars). 3 submissions from 3 submitters: Likely benign (3). Last evaluated 2025-10-09.

Conditions:
Ataxia-telangiectasia syndrome (AT). Also called: Ataxia-telangiectasia, complementation group D; Ataxia-telangiectasia, complementation group E; LOUIS-BAR SYNDROME; AT, COMPLEMENTATION GROUP C; ATAXIA-TELANGIECTASIA, COMPLEMENTATION GROUP A; ATAXIA-TELANGIECTASIA, FRESNO VARIANT. Identifiers: Orphanet 100, MedGen C0004135, MONDO:0008840, OMIM 208900.
Familial cancer of breast. Also called: hereditary breast carcinoma; Hereditary breast cancer; BREAST CANCER, FAMILIAL. Identifiers: Orphanet 227535, MedGen C0346153, MONDO:0016419, OMIM 114480. Disease mechanism: loss of function.

Allele frequency attached by ClinVar (database versions not stated): gnomAD exomes below 0.00001.
gnomAD v4.1: 3 of 1,612,328 alleles (0.00019%); highest among the groups gnomAD compares: East Asian, 0.0022%; no homozygotes.

Submissions (3):

Labcorp Genetics (formerly Invitae), Labcorp
Classification: Likely benign for Ataxia-telangiectasia syndrome. Last evaluated: 2025-10-09. Review status: criteria provided, single submitter. Criteria: Invitae Variant Classification Sherloc (09022015). Collection method: clinical testing. Allele origin: germline.

Myriad Genetics, Inc.
Classification: Likely benign for Familial cancer of breast. Last evaluated: 2024-06-14. Review status: criteria provided, single submitter. Criteria: Myriad Autosomal Dominant, Autosomal Recessive and X-Linked Classification Criteria (2023). Collection method: clinical testing. Allele origin: unknown.
Comment: This variant is considered likely benign. This variant is intronic and is not expected to impact mRNA splicing.

GeneDx
Classification: Likely benign. Last evaluated: 2015-10-29. Review status: criteria provided, single submitter. Criteria: GeneDx Variant Classification (06012015). Collection method: clinical testing. Allele origin: germline. Affected: yes.
Comment: This variant is considered likely benign or benign based on one or more of the following criteria: it is a conservative change, it occurs at a poorly conserved position in the protein, it is predicted to be benign by multiple in silico algorithms, and/or has population frequency not consistent with disease.

NM_000051.4(ATM):c.7516-6T>C

Genes: ATM (ATM serine/threonine kinase; plus strand), C11orf65 (chromosome 11 open reading frame 65; minus strand). Cytogenetic location: 11q22.3.
Variant type: single nucleotide variant.
Coding change: c.7516-6T>C on transcript NM_000051.4 (MANE Select); 6 bases into the intron before coding-DNA position 7516, T replaced by C.
Molecular consequence: intron variant. On other transcripts: non-coding transcript variant (1).
Genome position (GRCh38, 1-based): chr11:108,331,438, T>C. VCF-style: chr11-108331438-T-C. GRCh37 (hg19) VCF-style: chr11-108202165-T-C.
Other names: c.7516-6T>C (NM_001351834.2); c.641-22367A>G (NM_001330368.2); c.*38+3782A>G (NM_001351110.2).
Identifiers: ClinVar variation 381266 (VCV000381266.11), dbSNP rs1057521003, ClinGen allele CA16605825.